The following is an entry in ClinVar:

ClinVar aggregate classification (germline): Uncertain significance (1 of 4 stars; one submission).

Conditions:
Autosomal dominant nocturnal frontal lobe epilepsy 5. Also called: KCNT1-Related Epilepsy; Epilepsy, nocturnal frontal lobe, 5; CILIARY DYSKINESIA, PRIMARY, 28, WITHOUT SITUS INVERSUS; CILIARY DYSKINESIA, PRIMARY, 28, WITH SITUS INVERSUS. Identifiers: Orphanet 98784, MedGen C3554306, MONDO:0014002, OMIM 615005.
Developmental and epileptic encephalopathy, 14 (DEE14). Also called: Early infantile epileptic encephalopathy 14. Identifiers: Orphanet 293181, MedGen C3554195, MONDO:0013989, OMIM 614959.

Submission:

Labcorp Genetics (formerly Invitae), Labcorp
Classification: Uncertain significance for Autosomal dominant nocturnal frontal lobe epilepsy 5; Developmental and epileptic encephalopathy, 14. Last evaluated: 2022-01-12. Review status: criteria provided, single submitter. Criteria: Invitae Variant Classification Sherloc (09022015). Collection method: clinical testing. Allele origin: germline.
Comment: This variant is not present in population databases (gnomAD no frequency). In summary, the available evidence is currently insufficient to determine the role of this variant in disease. Therefore, it has been classified as a Variant of Uncertain Significance. Algorithms developed to predict the effect of missense changes on protein structure and function (SIFT, PolyPhen-2, Align-GVGD) all suggest that this variant is likely to be tolerated. This variant has not been reported in the literature in individuals affected with KCNT1-related conditions. This sequence change replaces methionine, which is neutral and non-polar, with valine, which is neutral and non-polar, at codon 354 of the KCNT1 protein (p.Met354Val).

NM_020822.3(KCNT1):c.1060A>G (p.Met354Val)

Gene: KCNT1 (potassium sodium-activated channel subfamily T member 1; plus strand). Cytogenetic location: 9q34.3.
Variant type: single nucleotide variant.
Coding change: c.1060A>G on transcript NM_020822.3 (MANE Select); coding-DNA position 1060, A replaced by G.
Protein change: p.Met354Val; replaces methionine 354 with valine.
Molecular consequence: missense variant.
Genome position (GRCh38, 1-based): chr9:135,765,055, A>G. VCF-style: chr9-135765055-A-G. GRCh37 (hg19) VCF-style: chr9-138656901-A-G.
Other names: c.925A>G, p.Met309Val (NM_001272003.2); short protein forms M309V, M354V.
Identifiers: ClinVar variation 1504268 (VCV001504268.6), dbSNP rs2131473380, ClinGen allele CA375499888.